The following is an entry in ClinVar:

NC_000014.8:g.(?_75483785)_(75516358_?)del

Gene: MLH3 (mutL homolog 3; minus strand). Cytogenetic location: 14q24.3.
Variant type: Deletion.
Identifiers: ClinVar variation 2423547 (VCV002423547.4).

ClinVar aggregate classification (germline): Uncertain significance (1 of 4 stars; one submission).

Conditions:
Colorectal cancer, hereditary nonpolyposis, type 7. Identifiers: Orphanet 144, MedGen C1858380, MONDO:0013725, OMIM 614385.

Submission:

Labcorp Genetics (formerly Invitae), Labcorp
Classification: Uncertain significance for Colorectal cancer, hereditary nonpolyposis, type 7. Last evaluated: 2022-03-28. Review status: criteria provided, single submitter. Criteria: Invitae Variant Classification Sherloc (09022015). Collection method: clinical testing. Allele origin: germline.
Comment: In summary, the available evidence is currently insufficient to determine the role of this variant in disease. Therefore, it has been classified as a Variant of Uncertain Significance. This variant has not been reported in the literature in individuals affected with MLH3-related conditions. A gross deletion of the genomic region encompassing the full coding sequence of the MLH3 gene has been identified. The current clinical and genetic evidence is not sufficient to establish whether loss-of-function variants in MLH3 cause disease. The boundaries of this event are unknown as they extend beyond the assayed region for this gene and therefore may encompass additional genes.